The following is an entry in ClinVar:

NM_177438.3(DICER1):c.3382G>A (p.Val1128Ile)

Gene: DICER1 (dicer 1, ribonuclease III; minus strand). Cytogenetic location: 14q32.13.
Variant type: single nucleotide variant.
Coding change: c.3382G>A on transcript NM_177438.3 (MANE Select); coding-DNA position 3382, G replaced by A.
Protein change: p.Val1128Ile; replaces valine 1128 with isoleucine.
Molecular consequence: missense variant. On other transcripts: non-coding transcript variant (6).
Genome position (GRCh38, 1-based): chr14:95,104,014, C>T on the plus strand (G>A on the coding strand, the complement: DICER1 is on the minus strand). VCF-style: chr14-95104014-C-T. GRCh37 (hg19) VCF-style: chr14-95570351-C-T.
Other names: c.2977G>A, p.Val993Ile (NM_001395688.1, NM_001395689.1, NM_001395690.1 and 2 more transcripts); c.2815G>A, p.Val939Ile (NM_001395691.1); c.3382G>A, p.Val1128Ile (NM_001395692.1, NM_001395693.1, NM_001395694.1 and 13 more transcripts); c.1699G>A, p.Val567Ile (NM_001395697.1); c.3100G>A, p.Val1034Ile (NM_001395686.1); short protein forms V1034I, V1128I, V939I, V567I, V993I.
Identifiers: ClinVar variation 1730830 (VCV001730830.7), dbSNP rs2542717831, ClinGen allele CA390875663.
Genomic context (GRCh38, chr14:95,104,014, plus strand): 5'-GGTCATGATTTTCTAGAGAGGAGGTTCTATTAGCACCTTGATGTGCAGCATTTTCAGGGA[C>T]AATTGTGCTGTGCTTACAGTAATTATCATTTTCAGCTGAAGAGGAGTTAGAAATTGAGAT-3'
Protein context (NP_803187.1, residues 1118-1138): NDNYCKHSTI[Val1128Ile]PENAAHQGAN

ClinVar aggregate classification (germline): Uncertain significance. Review status: criteria provided, multiple submitters, no conflicts (2 of 4 stars). 2 submissions from 2 submitters: Uncertain significance (2). Last evaluated 2025-12-20.

Conditions:
DICER1-related tumor predisposition. Also called: DICER1 syndrome; DICER1-related pleuropulmonary blastoma cancer predisposition syndrome. Identifiers: Orphanet 284343, MedGen C3839822, MONDO:0100216.
Hereditary cancer-predisposing syndrome. Also called: Neoplastic Syndromes, Hereditary; Tumor predisposition; Hereditary Cancer Syndrome; Hereditary neoplastic syndrome. Identifiers: Orphanet 140162, MedGen C0027672, MeSH D009386, MONDO:0015356.

Submissions (2):

Labcorp Genetics (formerly Invitae), Labcorp
Classification: Uncertain significance for DICER1-related tumor predisposition. Last evaluated: 2025-12-20. Review status: criteria provided, single submitter. Criteria: Invitae Variant Classification Sherloc (09022015). Collection method: clinical testing. Allele origin: germline.
Comment: This sequence change replaces valine, which is neutral and non-polar, with isoleucine, which is neutral and non-polar, at codon 1128 of the DICER1 protein (p.Val1128Ile). This variant is not present in population databases (gnomAD no frequency). This variant has not been reported in the literature in individuals affected with DICER1-related conditions. ClinVar contains an entry for this variant (Variation ID: 1730830). Invitae Evidence Modeling of protein sequence and biophysical properties (such as structural, functional, and spatial information, amino acid conservation, physicochemical variation, residue mobility, and thermodynamic stability) indicates that this missense variant is not expected to disrupt DICER1 protein function with a negative predictive value of 95%. In summary, the available evidence is currently insufficient to determine the role of this variant in disease. Therefore, it has been classified as a Variant of Uncertain Significance.

Ambry Genetics
Classification: Uncertain significance for Hereditary cancer-predisposing syndrome. Last evaluated: 2020-11-14. Review status: criteria provided, single submitter. Criteria: Ambry Variant Classification Scheme 2023. Collection method: clinical testing. Allele origin: germline.
Comment: The p.V1128I variant (also known as c.3382G>A), located in coding exon 20 of the DICER1 gene, results from a G to A substitution at nucleotide position 3382. The valine at codon 1128 is replaced by isoleucine, an amino acid with highly similar properties. This amino acid position is not well conserved in available vertebrate species. In addition, this alteration is predicted to be tolerated by in silico analysis. Since supporting evidence is limited at this time, the clinical significance of this alteration remains unclear.